The following is an entry in ClinVar:

NM_001365536.1(SCN9A):c.304G>T (p.Ala102Ser)

Gene: SCN9A (sodium voltage-gated channel alpha subunit 9; minus strand). Cytogenetic location: 2q24.3.
Variant type: single nucleotide variant.
Coding change: c.304G>T on transcript NM_001365536.1 (MANE Select); coding-DNA position 304, G replaced by T.
Protein change: p.Ala102Ser; replaces alanine 102 with serine.
Molecular consequence: missense variant.
Genome position (GRCh38, 1-based): chr2:166,307,029, C>A on the plus strand (G>T on the coding strand, the complement: SCN9A is on the minus strand). VCF-style: chr2-166307029-C-A. GRCh37 (hg19) VCF-style: chr2-167163539-C-A.
Other names: c.304G>T, p.Ala102Ser (NM_002977.4); short protein forms A102S.
Identifiers: ClinVar variation 851553 (VCV000851553.13), dbSNP rs201343843, ClinGen allele CA1944829.
Genomic context (GRCh38, chr2:166,307,029, plus strand): 5'-TCTTAATAGATATTCTTCTTAGAGGACTGAAAGGAGAAAGCATATATAAAGCAGGTGTGG[C>A]ATTGAAACGGAAGATTGTTTTCCCTTTGTTCAATACTATGAAAGTCTGCAGGAGGAAAAA-3'
Protein context (NP_001352465.1, residues 92-112): NKGKTIFRFN[Ala102Ser]TPALYMLSPF

ClinVar aggregate classification (germline): Uncertain significance. Review status: criteria provided, multiple submitters, no conflicts (2 of 4 stars). 5 submissions from 5 submitters: Uncertain significance (5). Last evaluated 2026-05-21.

Conditions:
Neuropathy, hereditary sensory and autonomic, type 2A (HSAN2A). Also called: ACROOSTEOLYSIS, GIACCAI TYPE; ACROOSTEOLYSIS, NEUROGENIC; MORVAN DISEASE; WNK1-Related HSAN2 (HSAN2A); NEUROPATHY, CONGENITAL SENSORY; NEUROPATHY, HEREDITARY SENSORY RADICULAR, AUTOSOMAL RECESSIVE. Identifiers: Orphanet 970, MedGen C2752089, MONDO:0024309, OMIM 201300.
Generalized epilepsy with febrile seizures plus, type 7 (GEFSP7). Also called: GEFS+, TYPE 7. Identifiers: Orphanet 36387, MedGen C2751778, MONDO:0013470, OMIM 613863.
Inborn genetic diseases. Identifiers: MedGen C0950123, MeSH D030342.
SCN9A-related disorder. Also called: SCN9A-related disorders; SCN9A-related condition.

Allele frequency attached by ClinVar (database versions not stated): gnomAD 0.00001; ExAC 0.00002; gnomAD exomes 0.00002 and 0.00003.
gnomAD v4.1: 51 of 1,611,678 alleles (0.0032%); highest among the groups gnomAD compares: Non-Finnish European, 0.0041%; no homozygotes.

Submissions (5):

PreventionGenetics, part of Exact Sciences
Classification: Uncertain significance for SCN9A-related condition. Last evaluated: 2026-05-21. Review status: criteria provided, single submitter. Criteria: ACMG Guidelines, 2015. Collection method: clinical testing. Allele origin: germline.
Comment: The SCN9A c.304G>T variant is predicted to result in the amino acid substitution p.Ala102Ser. To our knowledge, this variant has not been reported in the literature. This variant is reported in 0.0044% of alleles in individuals of European (Non-Finnish) descent in gnomAD. At this time, the clinical significance of this variant is uncertain due to the absence of conclusive functional and genetic evidence.

Labcorp Genetics (formerly Invitae), Labcorp
Classification: Uncertain significance for Neuropathy, hereditary sensory and autonomic, type 2A; Generalized epilepsy with febrile seizures plus, type 7. Last evaluated: 2024-10-07. Review status: criteria provided, single submitter. Criteria: Invitae Variant Classification Sherloc (09022015). Collection method: clinical testing. Allele origin: germline.
Comment: This sequence change replaces alanine, which is neutral and non-polar, with serine, which is neutral and polar, at codon 102 of the SCN9A protein (p.Ala102Ser). This variant is present in population databases (rs201343843, gnomAD 0.004%). This variant has not been reported in the literature in individuals affected with SCN9A-related conditions. ClinVar contains an entry for this variant (Variation ID: 851553). Invitae Evidence Modeling of protein sequence and biophysical properties (such as structural, functional, and spatial information, amino acid conservation, physicochemical variation, residue mobility, and thermodynamic stability) indicates that this missense variant is not expected to disrupt SCN9A protein function with a negative predictive value of 95%. In summary, the available evidence is currently insufficient to determine the role of this variant in disease. Therefore, it has been classified as a Variant of Uncertain Significance.

Ambry Genetics
Classification: Uncertain significance for Inborn genetic diseases. Last evaluated: 2020-12-30. Review status: criteria provided, single submitter. Criteria: Ambry Variant Classification Scheme 2023. Collection method: clinical testing. Allele origin: germline.
Comment: The p.A102S variant (also known as c.304G>T), located in coding exon 2 of the SCN9A gene, results from a G to T substitution at nucleotide position 304. The alanine at codon 102 is replaced by serine, an amino acid with similar properties. This amino acid position is highly conserved in available vertebrate species. In addition, this alteration is predicted to be deleterious by in silico analysis. Since supporting evidence is limited at this time, the clinical significance of this alteration remains unclear.

GeneDx
Classification: Uncertain significance. Last evaluated: 2019-09-13. Review status: criteria provided, single submitter. Criteria: GeneDx Variant Classification Process June 2021. Collection method: clinical testing. Allele origin: germline. Affected: yes.
Comment: In silico analysis, which includes protein predictors and evolutionary conservation, supports a deleterious effect; Has not been previously published as pathogenic or benign to our knowledge

Blueprint Genetics
Classification: Uncertain significance. Last evaluated: 2019-07-19. Review status: criteria provided, single submitter. Criteria: ACMG Guidelines, 2015. Collection method: clinical testing. Allele origin: germline.